The following is an entry in ClinVar:

NM_001395159.1(UNC79):c.589C>T (p.Leu197Phe)

Gene: UNC79 (unc-79 subunit of NALCN channel complex; plus strand). Cytogenetic location: 14q32.12.
Variant type: single nucleotide variant.
Coding change: c.589C>T on transcript NM_001395159.1 (MANE Select); coding-DNA position 589, C replaced by T.
Protein change: p.Leu197Phe; replaces leucine 197 with phenylalanine.
Molecular consequence: missense variant.
Genome position (GRCh38, 1-based): chr14:93,477,698, C>T. VCF-style: chr14-93477698-C-T. GRCh37 (hg19) VCF-style: chr14-93944044-C-T.
Other names: c.589C>T, p.Leu197Phe (NM_001346218.2); c.58C>T, p.Leu20Phe (NM_020818.5); short protein forms L197F, L20F.
Identifiers: ClinVar variation 4975378 (VCV004975378.1).

ClinVar aggregate classification (germline): Uncertain significance (1 of 4 stars; one submission).

Submission:

GeneDx
Classification: Uncertain significance. Last evaluated: 2026-01-22. Review status: criteria provided, single submitter. Criteria: GeneDx Variant Classification Process June 2021. Collection method: clinical testing. Allele origin: germline.
Comment: Not observed at significant frequency in large population cohorts (gnomAD); In silico analysis supports that this missense variant has a deleterious effect on protein structure/function; Has not been previously published as pathogenic or benign to our knowledge